The following is an entry in ClinVar:

NM_004006.3(DMD):c.9033G>A (p.Pro3011=)

Gene: DMD (dystrophin; minus strand). Cytogenetic location: Xp21.2.
Variant type: single nucleotide variant.
Coding change: c.9033G>A on transcript NM_004006.3 (MANE Select); coding-DNA position 9033, G replaced by A.
Protein change: p.Pro3011=; no amino-acid change (proline 3011 retained).
Molecular consequence: synonymous variant.
Genome position (GRCh38, 1-based): chrX:31,444,532, C>T on the plus strand (G>A on the coding strand, the complement: DMD is on the minus strand). VCF-style: chrX-31444532-C-T. GRCh37 (hg19) VCF-style: chrX-31462649-C-T.
Other names: c.9009G>A, p.Pro3003= (NM_000109.4); c.9021G>A, p.Pro3007= (NM_004009.3); c.8664G>A, p.Pro2888= (NM_004010.3); c.5010G>A, p.Pro1670= (NM_004011.4); c.5001G>A, p.Pro1667= (NM_004012.4); c.1653G>A, p.Pro551= (NM_004013.3, NM_004020.4, NM_004021.3 and 2 more transcripts); c.846G>A, p.Pro282= (NM_004014.3).
Identifiers: ClinVar variation 290332 (VCV000290332.30), dbSNP rs774722438, ClinGen allele CA10377935.

ClinVar aggregate classification (germline): Conflicting classifications of pathogenicity. Review status: criteria provided, conflicting classifications (1 of 4 stars). 9 submissions from 9 submitters: Uncertain significance (2); Benign (1); Likely benign (5). 1 of the submissions does not count toward it. Last evaluated 2026-07-15.

Conditions:
Becker muscular dystrophy (BMD). Also called: Becker Muscular Dystrophy (BMD); MUSCULAR DYSTROPHY, PSEUDOHYPERTROPHIC PROGRESSIVE, BECKER TYPE. Identifiers: Orphanet 98895, MedGen C0917713, MONDO:0010311, OMIM 300376.
Dystrophin deficiency.
Duchenne muscular dystrophy (DMD). Also called: MUSCULAR DYSTROPHY, PSEUDOHYPERTROPHIC PROGRESSIVE, DUCHENNE TYPE; Duchenne Muscular Dystrophy (DMD). Identifiers: Orphanet 98896, MedGen C0013264, MONDO:0010679, OMIM 310200.
Cardiomyopathy (CMYO). Also called: Cardiomyopathies. Identifiers: Orphanet 167848, MedGen C0878544, MONDO:0004994, HP:0001638. Inheritance: Various modes of inheritance.
DMD-related disorder. Also called: DMD-related condition.
Cardiovascular phenotype. Identifiers: MedGen CN230736.
Dilated cardiomyopathy 3B (CMD3B). Also called: CMD3B: DMD-Related Dilated Cardiomyopathy; CARDIOMYOPATHY, DILATED, X-LINKED; DMD-Associated Dilated Cardiomyopathy. Identifiers: Orphanet 154, MedGen C3668940, MONDO:0010542, OMIM 302045.

Allele frequency attached by ClinVar (database versions not stated): TOPMed 0.00011; gnomAD 0.00012 and 0.00013; ExAC 0.00015; gnomAD exomes 0.00016; 1000 Genomes Project 0.00026; 1000 Genomes Project 30x 0.00042.
gnomAD v4.1: 144 of 1,209,990 alleles (0.012%); highest among the groups gnomAD compares: Admixed American, 0.018%; no homozygotes.

Submissions (9):

PreventionGenetics, part of Exact Sciences
Classification: Likely benign for DMD-related condition. Last evaluated: 2026-07-15. Review status: criteria provided, single submitter. Criteria: ACMG Guidelines, 2015. Collection method: clinical testing. Allele origin: germline.
Comment: This variant is classified as likely benign based on ACMG/AMP sequence variant interpretation guidelines (Richards et al. 2015 PMID: 25741868, with internal and published modifications).

Labcorp Genetics (formerly Invitae), Labcorp
Classification: Likely benign for Duchenne muscular dystrophy. Last evaluated: 2026-01-28. Review status: criteria provided, single submitter. Criteria: Invitae Variant Classification Sherloc (09022015). Collection method: clinical testing. Allele origin: germline.

CeGaT Center for Human Genetics Tuebingen
Classification: Likely benign. Last evaluated: 2025-10-01. Review status: criteria provided, single submitter. Criteria: CeGaT Center For Human Genetics Tuebingen Variant Classification Criteria Version 2. Collection method: clinical testing. Allele origin: germline. Affected: yes. Observed: 1 variant allele.
Comment: DMD: BP4, BP7, BS2

ARUP Laboratories, Molecular Genetics and Genomics, ARUP Laboratories
Classification: Likely benign. Last evaluated: 2025-07-10. Review status: criteria provided, single submitter. Criteria: ARUP Molecular Germline Variant Investigation Process 2024. Collection method: clinical testing. Allele origin: germline.

Blueprint Genetics
Classification: Likely benign. Last evaluated: 2024-10-16. Review status: criteria provided, single submitter. Criteria: ACMG Guidelines, 2015. Collection method: clinical testing. Allele origin: germline.

Ambry Genetics
Classification: Benign for Cardiovascular phenotype. Last evaluated: 2020-03-25. Review status: criteria provided, single submitter. Criteria: Ambry Variant Classification Scheme 2023. Collection method: clinical testing. Allele origin: germline.

Illumina Laboratory Services, Illumina
Classification: Uncertain significance for Dilated cardiomyopathy 3B. Last evaluated: 2018-01-12. Review status: criteria provided, single submitter. Criteria: ICSL Variant Classification Criteria 13 December 2019. Collection method: clinical testing. Allele origin: germline.

Eurofins Ntd Llc (ga)
Classification: Uncertain significance. Last evaluated: 2016-09-14. Review status: criteria provided, single submitter. Criteria: EGL Classification Definitions 2015. Collection method: clinical testing. Allele origin: germline. Observed: 1 variant allele, 1 heterozygote.

Natera, Inc.
Classification: Likely benign for Becker muscular dystrophy; Cardiomyopathy; Duchenne muscular dystrophy; Dystrophin deficiency. Last evaluated: 2017-08-09. Review status: no assertion criteria provided. Collection method: clinical testing. Allele origin: germline. Not counted in ClinVar's aggregate classification.